The following is an entry in ClinVar:

NM_003839.4(TNFRSF11A):c.396del (p.Glu132fs)

Gene: TNFRSF11A (TNF receptor superfamily member 11a; plus strand). Cytogenetic location: 18q21.33.
Variant type: Deletion.
Coding change: c.396del on transcript NM_003839.4 (MANE Select); coding-DNA position 396, one base deleted (G; older notation c.396delG).
Protein change: p.Glu132fs; shifts the reading frame from glutamic acid 132.
Molecular consequence: frameshift variant.
Genome position (GRCh38, 1-based): chr18:62,354,503, G deleted. VCF-style (leftmost placement, unchanged base first): chr18-62354502-AG-A. GRCh37 (hg19) VCF-style: chr18-60021735-AG-A.
Other names: c.396del, p.Glu132fs (NM_001270949.2, NM_001270950.2, NM_001270951.2 and 1 more transcripts); short protein forms E132fs.
Identifiers: ClinVar variation 1404925 (VCV001404925.6), dbSNP rs2145309425, ClinGen allele CA2573155497.

ClinVar aggregate classification (germline): Pathogenic (1 of 4 stars; one submission).

Submission:

Labcorp Genetics (formerly Invitae), Labcorp
Classification: Pathogenic. Last evaluated: 2022-08-09. Review status: criteria provided, single submitter. Criteria: Invitae Variant Classification Sherloc (09022015). Collection method: clinical testing. Allele origin: germline.
Comment: ClinVar contains an entry for this variant (Variation ID: 1404925). Algorithms developed to predict the effect of sequence changes on RNA splicing suggest that this variant may disrupt the consensus splice site. For these reasons, this variant has been classified as Pathogenic. This variant has not been reported in the literature in individuals affected with TNFRSF11A-related conditions. This variant is not present in population databases (gnomAD no frequency). This sequence change creates a premature translational stop signal (p.Glu132Aspfs*51) in the TNFRSF11A gene. It is expected to result in an absent or disrupted protein product. Loss-of-function variants in TNFRSF11A are known to be pathogenic (PMID: 10677500, 18606301, 22271396).

Literature cited by the submitters: PubMed 10677500; PubMed 18606301; PubMed 22271396.